The following is an entry in ClinVar:

NM_004553.6(NDUFS6):c.186+2T>A

Gene: NDUFS6 (NADH:ubiquinone oxidoreductase subunit S6; plus strand). Cytogenetic location: 5p15.33.
Variant type: single nucleotide variant.
Coding change: c.186+2T>A on transcript NM_004553.6 (MANE Select); the canonical splice donor site of the intron after coding-DNA position 186, T replaced by A.
Molecular consequence: splice donor variant.
Genome position (GRCh38, 1-based): chr5:1,802,376, T>A. VCF-style: chr5-1802376-T-A. GRCh37 (hg19) VCF-style: chr5-1802490-T-A.
Other names: IVS2DS, T-A, +2.
Identifiers: ClinVar variation 6016 (VCV000006016.6), dbSNP rs1561102614, ClinGen allele CA359088979.

ClinVar aggregate classification (germline): Pathogenic. Review status: criteria provided, single submitter (1 of 4 stars). 2 submissions from 2 submitters: Pathogenic (1). 1 of the submissions does not count toward it. Last evaluated 2022-09-06.

Conditions:
Mitochondrial complex I deficiency, nuclear type 9. Also called: Mitochondrial complex 1 deficiency, nuclear type 9. Identifiers: MedGen C4748767, MONDO:0032615, OMIM 618232.

Submissions (2):

Labcorp Genetics (formerly Invitae), Labcorp
Classification: Pathogenic. Last evaluated: 2022-09-06. Review status: criteria provided, single submitter. Criteria: Invitae Variant Classification Sherloc (09022015). Collection method: clinical testing. Allele origin: germline.
Comment: This sequence change affects a donor splice site in intron 2 of the NDUFS6 gene. RNA analysis indicates that disruption of this splice site induces altered splicing and may result in an absent or disrupted protein product. This variant is not present in population databases (gnomAD no frequency). Disruption of this splice site has been observed in individual(s) with mitochondrial complex I deficiency (PMID: 15372108). It has also been observed to segregate with disease in related individuals. ClinVar contains an entry for this variant (Variation ID: 6016). Studies have shown that disruption of this splice site results in insertion of intronic material and introduces a premature termination codon (PMID: 15372108). The resulting mRNA is expected to undergo nonsense-mediated decay. For these reasons, this variant has been classified as Pathogenic.

OMIM
Classification: Pathogenic for MITOCHONDRIAL COMPLEX I DEFICIENCY, NUCLEAR TYPE 9. Last evaluated: 2004-09-01. Review status: no assertion criteria provided. Collection method: literature only. Allele origin: germline. Not counted in ClinVar's aggregate classification.

Literature cited by the submitters: PubMed 15372108 (cited by Labcorp Genetics (formerly Invitae), Labcorp and OMIM).